The following is an entry in ClinVar:

ClinVar aggregate classification (germline): Uncertain significance (1 of 4 stars; one submission).

gnomAD v4.1: 3 of 1,614,074 alleles (0.00019%); highest among the groups gnomAD compares: Non-Finnish European, 0.00025%; no homozygotes.

Submission:

Labcorp Genetics (formerly Invitae), Labcorp
Classification: Uncertain significance. Last evaluated: 2022-06-20. Review status: criteria provided, single submitter. Criteria: Invitae Variant Classification Sherloc (09022015). Collection method: clinical testing. Allele origin: germline.
Comment: ClinVar contains an entry for this variant (Variation ID: 1019272). This sequence change replaces glutamic acid, which is acidic and polar, with aspartic acid, which is acidic and polar, at codon 957 of the ADGRA3 protein (p.Glu957Asp). This variant is not present in population databases (gnomAD no frequency). This variant has not been reported in the literature in individuals affected with ADGRA3-related conditions. Algorithms developed to predict the effect of missense changes on protein structure and function are either unavailable or do not agree on the potential impact of this missense change (SIFT: "Tolerated"; PolyPhen-2: "Possibly Damaging"; Align-GVGD: "Class C0"). In summary, the available evidence is currently insufficient to determine the role of this variant in disease. Therefore, it has been classified as a Variant of Uncertain Significance.

NM_145290.4(ADGRA3):c.2871G>T (p.Glu957Asp)

Gene: ADGRA3 (adhesion G protein-coupled receptor A3; minus strand). Cytogenetic location: 4p15.2.
Variant type: single nucleotide variant.
Coding change: c.2871G>T on transcript NM_145290.4 (MANE Select); coding-DNA position 2871, G replaced by T.
Protein change: p.Glu957Asp; replaces glutamic acid 957 with aspartic acid.
Molecular consequence: missense variant.
Genome position (GRCh38, 1-based): chr4:22,388,800, C>A on the plus strand (G>T on the coding strand, the complement: ADGRA3 is on the minus strand). VCF-style: chr4-22388800-C-A. GRCh37 (hg19) VCF-style: chr4-22390423-C-A.
Other names: short protein forms E957D.
Identifiers: ClinVar variation 1019272 (VCV001019272.8), dbSNP rs775387546, ClinGen allele CA356474665.